The following is an entry in ClinVar:

ClinVar aggregate classification (germline): Likely benign (0 of 4 stars; one submission).

Conditions:
PADI6-related disorder. Also called: PADI6-related condition.

Submission:

PreventionGenetics, part of Exact Sciences
Classification: Likely benign for PADI6-related condition. Last evaluated: 2020-09-16. Review status: no assertion criteria provided. Collection method: clinical testing. Allele origin: germline.
Comment: This variant is classified as likely benign based on ACMG/AMP sequence variant interpretation guidelines (Richards et al. 2015 PMID: 25741868, with internal and published modifications).

NM_207421.4(PADI6):c.1690-23CCCA[8]

Gene: PADI6 (peptidyl arginine deiminase 6; plus strand). Cytogenetic location: 1p36.13.
Variant type: Microsatellite.
Coding change: c.1690-23CCCA[8] on transcript NM_207421.4 (MANE Select); eight copies in a row of the 4-base unit CCCA starting at c.1690-23.
Molecular consequence: intron variant.
Genome position: GRCh38 VCF-style: chr1-17398662-C-CCCCACCCACCCA. GRCh37 (hg19) VCF-style: chr1-17725158-C-CCCCACCCACCCA.
Other names: c.1690-14_1690-3dup12 (NM_207421.4).
Identifiers: ClinVar variation 3046023 (VCV003046023.2), dbSNP rs753996243, ClinGen allele CA891281960.